The following is an entry in ClinVar:

NM_203447.4(DOCK8):c.727C>T (p.Pro243Ser)

Gene: DOCK8 (dedicator of cytokinesis 8; plus strand). Cytogenetic location: 9p24.3.
Variant type: single nucleotide variant.
Coding change: c.727C>T on transcript NM_203447.4 (MANE Select); coding-DNA position 727, C replaced by T.
Protein change: p.Pro243Ser; replaces proline 243 with serine.
Molecular consequence: missense variant.
Genome position (GRCh38, 1-based): chr9:312,152, C>T. VCF-style: chr9-312152-C-T. GRCh37 (hg19) VCF-style: chr9-312152-C-T.
Other names: c.523C>T, p.Pro175Ser (NM_001190458.2, NM_001193536.2); short protein forms P175S, P243S.
Identifiers: ClinVar variation 3617964 (VCV003617964.2).

ClinVar aggregate classification (germline): Uncertain significance (1 of 4 stars; one submission).

Conditions:
Combined immunodeficiency due to DOCK8 deficiency (HIES2). Also called: HIES autosomal recessive; Hyper-IgE recurrent infection syndrome, autosomal recessive; HYPER-IgE RECURRENT INFECTION SYNDROME 2, AUTOSOMAL RECESSIVE; HYPER-IgE SYNDROME 2, AUTOSOMAL RECESSIVE, WITH RECURRENT INFECTIONS; DOCK8 Deficiency. Identifiers: Orphanet 217390, MedGen C4722305, MONDO:0009478, OMIM 243700.

Submission:

Labcorp Genetics (formerly Invitae), Labcorp
Classification: Uncertain significance for Combined immunodeficiency due to DOCK8 deficiency. Last evaluated: 2024-08-24. Review status: criteria provided, single submitter. Criteria: Invitae Variant Classification Sherloc (09022015). Collection method: clinical testing. Allele origin: germline.
Comment: This sequence change replaces proline, which is neutral and non-polar, with serine, which is neutral and polar, at codon 243 of the DOCK8 protein (p.Pro243Ser). This variant is not present in population databases (gnomAD no frequency). This variant has not been reported in the literature in individuals affected with DOCK8-related conditions. Invitae Evidence Modeling of protein sequence and biophysical properties (such as structural, functional, and spatial information, amino acid conservation, physicochemical variation, residue mobility, and thermodynamic stability) indicates that this missense variant is not expected to disrupt DOCK8 protein function with a negative predictive value of 80%. In summary, the available evidence is currently insufficient to determine the role of this variant in disease. Therefore, it has been classified as a Variant of Uncertain Significance.